The following is an entry in ClinVar:

NM_005859.5(PURA):c.951A>C (p.Glu317Asp)

Gene: PURA (purine rich element binding protein A; plus strand). Cytogenetic location: 5q31.3.
Variant type: single nucleotide variant.
Coding change: c.951A>C on transcript NM_005859.5 (MANE Select); coding-DNA position 951, A replaced by C.
Protein change: p.Glu317Asp; replaces glutamic acid 317 with aspartic acid.
Molecular consequence: missense variant.
Genome position (GRCh38, 1-based): chr5:140,115,132, A>C. VCF-style: chr5-140115132-A-C. GRCh37 (hg19) VCF-style: chr5-139494717-A-C.
Other names: short protein forms E317D.
Identifiers: ClinVar variation 1717136 (VCV001717136.6), dbSNP rs2479506502, ClinGen allele CA361491944.

ClinVar aggregate classification (germline): Uncertain significance (1 of 4 stars; one submission).

Conditions:
PURA-related severe neonatal hypotonia-seizures-encephalopathy syndrome (NEDRIHF). Also called: PURA-Related Neurodevelopmental Disorders; NEURODEVELOPMENTAL DISORDER WITH NEONATAL RESPIRATORY INSUFFICIENCY, HYPOTONIA, AND FEEDING DIFFICULTIES. Identifiers: Orphanet 438213, Orphanet 438216, MedGen C4015357, MONDO:1060108, OMIM 616158, MONDO:0018580.

Submission:

Labcorp Genetics (formerly Invitae), Labcorp
Classification: Uncertain significance for PURA-related severe neonatal hypotonia-seizures-encephalopathy syndrome. Last evaluated: 2022-08-20. Review status: criteria provided, single submitter. Criteria: Invitae Variant Classification Sherloc (09022015). Collection method: clinical testing. Allele origin: germline.
Comment: In summary, the available evidence is currently insufficient to determine the role of this variant in disease. Therefore, it has been classified as a Variant of Uncertain Significance. Algorithms developed to predict the effect of missense changes on protein structure and function are either unavailable or do not agree on the potential impact of this missense change (SIFT: "Deleterious"; PolyPhen-2: "Not Available"; Align-GVGD: "Class C0"). This variant has not been reported in the literature in individuals affected with PURA-related conditions. This variant is not present in population databases (gnomAD no frequency). This sequence change replaces glutamic acid, which is acidic and polar, with aspartic acid, which is acidic and polar, at codon 317 of the PURA protein (p.Glu317Asp).